The following is an entry in ClinVar:

ClinVar aggregate classification (germline): Pathogenic/Likely pathogenic. Review status: criteria provided, multiple submitters, no conflicts (2 of 4 stars). 11 submissions from 10 submitters: Pathogenic (9); Likely pathogenic (1). 1 of the submissions does not count toward it. Last evaluated 2026-01-28.

Conditions:
CNGA1-related disorder. Also called: CNGA1-related condition.
Retinitis pigmentosa 49 (RP49). Identifiers: Orphanet 791, MedGen C3151059, MONDO:0013405, OMIM 613756.
Retinitis pigmentosa (RP). Identifiers: Orphanet 791, MedGen C0035334, MeSH D012174, MONDO:0019200, OMIM 268000. Inheritance: Autosomal dominant, autosomal recessive and X linked inheritance.

Allele frequency attached by ClinVar (database versions not stated): gnomAD 0.00004 and 0.00003; ExAC 0.00009; TOPMed 0.00008; gnomAD exomes 0.00011 and 0.00003.

Submissions (11):

Labcorp Genetics (formerly Invitae), Labcorp
Classification: Pathogenic. Last evaluated: 2026-01-28. Review status: criteria provided, single submitter. Criteria: Invitae Variant Classification Sherloc (09022015). Collection method: clinical testing. Allele origin: germline.
Comment: This sequence change creates a premature translational stop signal (p.Leu89Phefs*4) in the CNGA1 gene. It is expected to result in an absent or disrupted protein product. Loss-of-function variants in CNGA1 are known to be pathogenic (PMID: 7479749, 25268133). This variant is present in population databases (rs749012133, gnomAD 0.1%). This premature translational stop signal has been observed in individuals with retinitis pigmentosa (PMID: 23462753, 25268133). It has also been observed to segregate with disease in related individuals. This variant is also known as p.Leu158Phefs*4. ClinVar contains an entry for this variant (Variation ID: 225315). For these reasons, this variant has been classified as Pathogenic.

Medical and Scientific Branch, Hong Kong Genome Institute
Classification: Pathogenic for Retinitis pigmentosa 49. Last evaluated: 2026-01-26. Review status: criteria provided, single submitter. Criteria: ACMG Guidelines, 2015. Collection method: clinical testing. Allele origin: unknown. Affected: yes.

Women's Health and Genetics/Laboratory Corporation of America, LabCorp
Classification: Pathogenic for Retinitis pigmentosa. Last evaluated: 2025-10-29. Review status: criteria provided, single submitter. Criteria: LabCorp Variant Classification Summary - May 2015. Collection method: clinical testing. Allele origin: germline.
Comment: Variant summary: CNGA1 c.253delC (p.Leu85PhefsX4) results in a premature termination codon, predicted to cause a truncation of the encoded protein or absence of the protein due to nonsense mediated decay, which are commonly known mechanisms for disease. This variant is also known as p.Leu158Phefs*4. The variant allele was found at a frequency of 0.00011 in 249216 control chromosomes. This frequency is not significantly higher than estimated for disease-causing variants in CNGA1, allowing no conclusion about variant significance. c.253delC has been observed in multiple individuals affected with Retinitis Pigmentosa (e.g. Chen_2013). These data indicate that the variant is very likely to be associated with disease. To our knowledge, no experimental evidence demonstrating an impact on protein function has been reported. The following publication have been ascertained in the context of this evaluation (PMID: 23462753). ClinVar contains an entry for this variant (Variation ID: 225315). Based on the evidence outlined above, the variant was classified as pathogenic.

SingHealth Duke-NUS Institute of Precision Medicine
Classification: Likely pathogenic for Retinitis pigmentosa 49. Last evaluated: 2025-02-05. Review status: criteria provided, single submitter. Criteria: PRISM ACMG Classification Criteria. Collection method: clinical testing. Allele origin: germline. Affected: yes.
Comment: Null variant is predicted to cause nonsense-mediated decay in a gene where LOF is a known cause of pathogenicity (PVS1). Variant is not found in gnomAD exomes or genomes (PM2)

Blueprint Genetics
Classification: Pathogenic for CNGA1-related disorders. Last evaluated: 2024-11-19. Review status: criteria provided, single submitter. Criteria: ACMG Guidelines, 2015. Collection method: clinical testing. Allele origin: germline. Affected: yes. Observed: 5 variant alleles.

Fulgent Genetics
Classification: Pathogenic for Retinitis pigmentosa 49. Last evaluated: 2024-05-31. Review status: criteria provided, single submitter. Criteria: ACMG Guidelines, 2015. Collection method: clinical testing. Allele origin: germline.

Fulgent Genetics
Classification: Pathogenic for Retinitis pigmentosa; Retinitis pigmentosa 49. Last evaluated: 2021-07-14. Review status: criteria provided, single submitter. Criteria: ACMG Guidelines, 2015. Collection method: clinical testing. Allele origin: unknown.

GeneDx
Classification: Pathogenic. Last evaluated: 2018-07-19. Review status: criteria provided, single submitter. Criteria: GeneDx Variant Classification (06012015). Collection method: clinical testing. Allele origin: germline. Affected: yes.
Comment: The c.265delC variant in the CNGA1 gene has been reported previously in both the homozygous state and the compound heterozygous state with another CNGA1 variant in association with retinitis pigmentosa (Katagiri et al., 2014). This variant causes a frameshift starting with codon Leucine 89, changes this amino acid to a Phenylalanine residue, and creates a premature Stop codon at position 4 of the new reading frame, denoted p.Leu89PhefsX4. This variant is predicted to cause loss of normal protein function either through protein truncation or nonsense-mediated mRNA decay. The c.265delC variant is observed in 26/18870 (0.1378%) alleles from individuals of East Asian background in large population cohorts, with no homozygotes reported (Lek et al., 2016). We interpret c.265delC as a pathogenic variant.

Soonchunhyang University Bucheon Hospital, Soonchunhyang University Medical Center
Classification: Pathogenic for Retinitis pigmentosa 49. Last evaluated: 2016-03-18. Review status: criteria provided, single submitter. Criteria: ACMG Guidelines, 2015. Collection method: reference population. Allele origin: germline. Observed: 2 variant alleles.

Juno Genomics, Hangzhou Juno Genomics, Inc
Classification: Pathogenic for Retinitis pigmentosa 49. Review status: criteria provided, single submitter. Criteria: ACMG Guidelines, 2015. Collection method: clinical testing. Allele origin: germline. Affected: yes.
Comment: Null variant in a gene where loss of function (LOF) is a known mechanism of disease.;For recessive disorders, detected in trans with a pathogenic variant.;Co-segregation with disease in multiple affected family members.;Patient's phenotype or family history is highly specific for a disease with a single genetic etiology.

OMIM
Classification: Pathogenic for RETINITIS PIGMENTOSA 49. Last evaluated: 2023-02-23. Review status: no assertion criteria provided. Collection method: literature only. Allele origin: germline. Not counted in ClinVar's aggregate classification.

Literature cited by the submitters: PubMed 7479749 (cited by Labcorp Genetics (formerly Invitae), Labcorp and Soonchunhyang University Bucheon Hospital, Soonchunhyang University Medical Center); PubMed 25268133 (cited by Labcorp Genetics (formerly Invitae), Labcorp and OMIM); PubMed 23462753 (cited by 3 submitters).

NM_001379270.1(CNGA1):c.253del (p.Leu85fs)

Genes: CNGA1 (cyclic nucleotide gated channel subunit alpha 1; minus strand), LOC101927157 (uncharacterized LOC101927157; plus strand). Cytogenetic location: 4p12.
Variant type: Deletion.
Coding change: c.253del on transcript NM_001379270.1 (MANE Select); coding-DNA position 253, one base deleted (C; older notation c.253delC).
Protein change: p.Leu85fs; shifts the reading frame from leucine 85.
Molecular consequence: frameshift variant.
Genome position (GRCh38, 1-based): chr4:47,949,867, G deleted on the plus strand (C on the coding strand, the reverse complement: CNGA1 is on the minus strand). VCF-style (leftmost placement, unchanged base first): chr4-47949866-AG-A. GRCh37 (hg19) VCF-style: chr4-47951883-AG-A.
Other names: c.472delG (NM_001142564.1); c.253del, p.Leu85fs (NM_000087.5, NM_001142564.2); c.265delC, p.Leu89Phefs (NM_001375386.1); c.265del (NM_000087.3); c.253delC (NM_000087.5); short protein forms L85fs.
Identifiers: ClinVar variation 225315 (VCV000225315.25), dbSNP rs749012133, ClinGen allele CA2911335.
Genomic context (GRCh38, chr4:47,949,866, plus strand): 5'-TTGGTTTTCTATTGTAAATATACTTACTGGTCCTTATTGCTGCTGTTGTTCACATTAAAA[AG>A]TGCAATGGCACCAGGCAGGTACTGCTCCCTGGGAAATGAAAAACATGCAGTGAAATCACA-3'